The following is an entry in ClinVar:

NM_021815.5(SLC5A7):c.113G>A (p.Arg38His)

Gene: SLC5A7 (solute carrier family 5 member 7; plus strand). Cytogenetic location: 2q12.3.
Variant type: single nucleotide variant.
Coding change: c.113G>A on transcript NM_021815.5 (MANE Select); coding-DNA position 113, G replaced by A.
Protein change: p.Arg38His; replaces arginine 38 with histidine.
Molecular consequence: missense variant. On other transcripts: 5 prime UTR variant (1), intron variant (1).
Genome position (GRCh38, 1-based): chr2:107,988,268, G>A. VCF-style: chr2-107988268-G-A. GRCh37 (hg19) VCF-style: chr2-108604724-G-A.
Other names: c.113G>A, p.Arg38His (NM_001305005.3); c.-592G>A (NM_001305007.3); c.-138+1505G>A (NM_001305006.3); short protein forms R38H.
Identifiers: ClinVar variation 853219 (VCV000853219.7), dbSNP rs1054170676, ClinGen allele CA53407829.
Genomic context (GRCh38, chr2:107,988,268, plus strand): 5'-TTTTGCTGGTTGGAATATGGGCTGCCTGGAGAACCAAAAACAGTGGCAGCGCAGAAGAGC[G>A]CAGCGAAGCCATCATAGTTGGTGGCCGAGATATTGGTTTATTGGTTGGTGGATTTACCAT-3'
Protein context (NP_068587.1, residues 28-48): RTKNSGSAEE[Arg38His]SEAIIVGGRD

ClinVar aggregate classification (germline): Uncertain significance (1 of 4 stars; one submission).

Conditions:
Neuronopathy, distal hereditary motor, type 7A. Also called: Neuronopathy, distal hereditary motor, autosomal dominant 7; Neuronopathy, distal hereditary motor, type viia; HARPER-YOUNG MYOPATHY; HMN VIIA; NEURONOPATHY, DISTAL HEREDITARY MOTOR, HARDING TYPE VIIA; NEUROPATHY, DISTAL HEREDITARY MOTOR, HARDING TYPE VIIA. Identifiers: Orphanet 139589, MedGen C1834703, MONDO:0008024, OMIM 158580.
Congenital myasthenic syndrome 20. Also called: Myasthenic syndrome, congenital, 20, presynaptic. Identifiers: MedGen C4310694, MONDO:0014939, OMIM 617143.

Allele frequency attached by ClinVar (database versions not stated): TOPMed 0.00001.

Submission:

Labcorp Genetics (formerly Invitae), Labcorp
Classification: Uncertain significance for Neuronopathy, distal hereditary motor, type 7A; Congenital myasthenic syndrome 20. Last evaluated: 2024-11-26. Review status: criteria provided, single submitter. Criteria: Invitae Variant Classification Sherloc (09022015). Collection method: clinical testing. Allele origin: germline.
Comment: This sequence change replaces arginine, which is basic and polar, with histidine, which is basic and polar, at codon 38 of the SLC5A7 protein (p.Arg38His). This variant is present in population databases (no rsID available, gnomAD 0.003%). This variant has not been reported in the literature in individuals affected with SLC5A7-related conditions. ClinVar contains an entry for this variant (Variation ID: 853219). Invitae Evidence Modeling of protein sequence and biophysical properties (such as structural, functional, and spatial information, amino acid conservation, physicochemical variation, residue mobility, and thermodynamic stability) indicates that this missense variant is not expected to disrupt SLC5A7 protein function with a negative predictive value of 80%. In summary, the available evidence is currently insufficient to determine the role of this variant in disease. Therefore, it has been classified as a Variant of Uncertain Significance.